The following is an entry in ClinVar:

NM_022464.5(SIL1):c.1231C>T (p.Arg411Cys)

Gene: SIL1 (SIL1 nucleotide exchange factor; minus strand). Cytogenetic location: 5q31.2.
Variant type: single nucleotide variant.
Coding change: c.1231C>T on transcript NM_022464.5 (MANE Select); coding-DNA position 1231, C replaced by T.
Protein change: p.Arg411Cys; replaces arginine 411 with cysteine.
Molecular consequence: missense variant.
Genome position (GRCh38, 1-based): chr5:138,947,272, G>A on the plus strand (C>T on the coding strand, the complement: SIL1 is on the minus strand). VCF-style: chr5-138947272-G-A. GRCh37 (hg19) VCF-style: chr5-138282961-G-A.
Other names: c.1231C>T, p.Arg411Cys (NM_001037633.2); c.1231C>T (NM_022464.4); short protein forms R411C.
Identifiers: ClinVar variation 1010979 (VCV001010979.5), dbSNP rs142943842, ClinGen allele CA3432342.
Genomic context (GRCh38, chr5:138,947,272, plus strand): 5'-CCTGGTACTCAGCCTGCAGGCTGGCCAGTGTCCTGCCGAGCTGGGGGTCCTGACGGTAGC[G>A]GTCCCGGCAGGTGGTCAGGAGGACGCCCAGTGTCTGCAGCACCTTCTCACGGGCATCATG-3'
Protein context (NP_071909.1, residues 401-421): LGVLLTTCRD[Arg411Cys]YRQDPQLGRT

ClinVar aggregate classification (germline): Uncertain significance. Review status: criteria provided, multiple submitters, no conflicts (2 of 4 stars). 3 submissions from 3 submitters: Uncertain significance (3). Last evaluated 2024-12-18.

Conditions:
Inborn genetic diseases. Identifiers: MedGen C0950123, MeSH D030342.
Marinesco-Sjögren syndrome (MSS). Also called: Marinesco-Sjogren Syndrome; Marinesco-SjÃ¶gren syndrome. Identifiers: Orphanet 559, MedGen C0024814, MONDO:0009567, OMIM 248800.

Allele frequency attached by ClinVar (database versions not stated): ESP Exome Variant Server 0.00015.
gnomAD v4.1: 136 of 1,613,360 alleles (0.0084%); highest among the groups gnomAD compares: Middle Eastern, 0.016%; no homozygotes.

Submissions (3):

Athena Diagnostics
Classification: Uncertain significance. Last evaluated: 2024-12-18. Review status: criteria provided, single submitter. Criteria: Athena Diagnostics Criteria. Collection method: clinical testing. Allele origin: unknown.
Comment: Available data are insufficient to determine the clinical significance of the variant at this time. The frequency of this variant in the general population is uninformative in assessment of its pathogenicity. Polyphen and MutationTaster predict this amino acid change may be benign.

Ambry Genetics
Classification: Uncertain significance for Inborn genetic diseases. Last evaluated: 2024-03-25. Review status: criteria provided, single submitter. Criteria: Ambry Variant Classification Scheme 2023. Collection method: clinical testing. Allele origin: germline.

Labcorp Genetics (formerly Invitae), Labcorp
Classification: Uncertain significance for Marinesco-Sjögren syndrome. Last evaluated: 2022-08-10. Review status: criteria provided, single submitter. Criteria: Invitae Variant Classification Sherloc (09022015). Collection method: clinical testing. Allele origin: germline.
Comment: This sequence change replaces arginine, which is basic and polar, with cysteine, which is neutral and slightly polar, at codon 411 of the SIL1 protein (p.Arg411Cys). This variant is present in population databases (rs142943842, gnomAD 0.01%). This variant has not been reported in the literature in individuals affected with SIL1-related conditions. ClinVar contains an entry for this variant (Variation ID: 1010979). Algorithms developed to predict the effect of missense changes on protein structure and function are either unavailable or do not agree on the potential impact of this missense change (SIFT: "Tolerated"; PolyPhen-2: "Possibly Damaging"; Align-GVGD: "Class C15"). In summary, the available evidence is currently insufficient to determine the role of this variant in disease. Therefore, it has been classified as a Variant of Uncertain Significance.